The following is an entry in ClinVar:

NM_001379500.1(COL18A1):c.3970G>A (p.Ala1324Thr)

Genes: COL18A1 (collagen type XVIII alpha 1 chain; plus strand), SLC19A1 (solute carrier family 19 member 1; minus strand). Cytogenetic location: 21q22.3.
Variant type: single nucleotide variant.
Coding change: c.3970G>A on transcript NM_001379500.1 (MANE Select); coding-DNA position 3970, G replaced by A.
Protein change: p.Ala1324Thr; replaces alanine 1324 with threonine.
Molecular consequence: missense variant.
Genome position (GRCh38, 1-based): chr21:45,512,348, G>A. VCF-style: chr21-45512348-G-A. GRCh37 (hg19) VCF-style: chr21-46932262-G-A.
Other names: c.4501G>A, p.Ala1501Thr (NM_030582.4); c.5206G>A, p.Ala1736Thr (NM_130444.3); short protein forms A1736T, A1501T, A1324T.
Identifiers: ClinVar variation 1515838 (VCV001515838.3), dbSNP rs956790490, ClinGen allele CA321927305.

ClinVar aggregate classification (germline): Uncertain significance (1 of 4 stars; one submission).

Allele frequency attached by ClinVar (database versions not stated): TOPMed 0.00001; gnomAD 0.00002.
gnomAD v4.1: 17 of 1,612,632 alleles (0.0011%); highest among the groups gnomAD compares: East Asian, 0.0045%; no homozygotes.

Submission:

Labcorp Genetics (formerly Invitae), Labcorp
Classification: Uncertain significance. Last evaluated: 2022-07-19. Review status: criteria provided, single submitter. Criteria: Invitae Variant Classification Sherloc (09022015). Collection method: clinical testing. Allele origin: germline.
Comment: This sequence change replaces alanine, which is neutral and non-polar, with threonine, which is neutral and polar, at codon 1321 of the COL18A1 protein (p.Ala1321Thr). This variant is present in population databases (no rsID available, gnomAD 0.006%). This variant has not been reported in the literature in individuals affected with COL18A1-related conditions. ClinVar contains an entry for this variant (Variation ID: 1515838). Experimental studies and prediction algorithms are not available or were not evaluated, and the functional significance of this variant is currently unknown. In summary, the available evidence is currently insufficient to determine the role of this variant in disease. Therefore, it has been classified as a Variant of Uncertain Significance.